The following is an entry in ClinVar:

NM_013275.6(ANKRD11):c.2515dup (p.Asp839fs)

Gene: ANKRD11 (ankyrin repeat domain 11; minus strand). Cytogenetic location: 16q24.3.
Variant type: Duplication.
Coding change: c.2515dup on transcript NM_013275.6 (MANE Select); coding-DNA position 2515, one base duplicated (G; older notation c.2515dupG).
Protein change: p.Asp839fs; shifts the reading frame from aspartic acid 839.
Molecular consequence: frameshift variant.
Genome position (GRCh38, 1-based): chr16:89,284,027, C duplicated on the plus strand (G on the coding strand, the reverse complement: ANKRD11 is on the minus strand). VCF-style (leftmost placement, unchanged base first): chr16-89284026-T-TC. GRCh37 (hg19) VCF-style: chr16-89350434-T-TC.
Other names: c.2515dup, p.Asp839fs (NM_001256182.2, NM_001256183.2); short protein forms D839fs.
Identifiers: ClinVar variation 3901032 (VCV003901032.1).

ClinVar aggregate classification (germline): Likely pathogenic (1 of 4 stars; one submission).

Conditions:
KBG syndrome (KBGS). Also called: ANKRD11-Related KBG Syndrome. Identifiers: Orphanet 2332, MedGen C0220687, MONDO:0007846, OMIM 148050.

Submission:

Laboratorio de Genetica e Diagnostico Molecular, Hospital Israelita Albert Einstein
Classification: Likely pathogenic for KBG syndrome. Last evaluated: 2024-03-28. Review status: criteria provided, single submitter. Criteria: ACMG Guidelines, 2015. Collection method: clinical testing. Allele origin: germline. Affected: yes.
Comment: ACMG classification criteria: PVS1 very strong, PM2 supporting